The following is an entry in ClinVar:

NM_003119.4(SPG7):c.1171_1172dup (p.Ser392fs)

Gene: SPG7 (SPG7 matrix AAA peptidase subunit, paraplegin; plus strand). Cytogenetic location: 16q24.3.
Variant type: Duplication.
Coding change: c.1171_1172dup on transcript NM_003119.4 (MANE Select); coding-DNA positions 1171 to 1172, 2 bases duplicated (CG; older notation c.1171_1172dupCG).
Protein change: p.Ser392fs; shifts the reading frame from serine 392.
Molecular consequence: frameshift variant.
Genome position (GRCh38, 1-based): chr16:89,532,483-89,532,484, CG duplicated; duplicating any 2 consecutive bases within chr16:89,532,482-89,532,484 gives the same sequence; the c. name uses the placement nearest the transcript's 3' end. VCF-style (leftmost placement, unchanged base first): chr16-89532481-T-TGC. GRCh37 (hg19) VCF-style: chr16-89598889-T-TGC.
Other names: c.1171_1172dup, p.Ser392fs (NM_001363850.1, NM_199367.3); short protein forms S392fs.
Identifiers: ClinVar variation 857760 (VCV000857760.7), dbSNP rs2058358025, ClinGen allele CA916083513.

ClinVar aggregate classification (germline): Pathogenic (1 of 4 stars; one submission).

Conditions:
Hereditary spastic paraplegia 7 (SPG7). Also called: SPG7-related neurologic disorder; Autosomal recessive spastic paraplegia type 7; SPASTIC PARAPLEGIA 7, AUTOSOMAL RECESSIVE, WITH OR WITHOUT CEREBELLAR ATAXIA; Spastic paraplegia 7; Hereditary spastic paraplegia Paraplegin type. Identifiers: Orphanet 99013, MedGen C1846564, MONDO:0011803, OMIM 607259.

Submission:

Labcorp Genetics (formerly Invitae), Labcorp
Classification: Pathogenic for Hereditary spastic paraplegia 7. Last evaluated: 2019-11-19. Review status: criteria provided, single submitter. Criteria: Invitae Variant Classification Sherloc (09022015). Collection method: clinical testing. Allele origin: germline.
Comment: This variant has not been reported in the literature in individuals with SPG7-related conditions. For these reasons, this variant has been classified as Pathogenic. Loss-of-function variants in SPG7 are known to be pathogenic (PMID: 21623769, 22964162). This variant is not present in population databases (ExAC no frequency). This sequence change creates a premature translational stop signal (p.Ser392Glyfs*48) in the SPG7 gene. It is expected to result in an absent or disrupted protein product.

Literature cited by the submitters: PubMed 21623769; PubMed 22964162.